The following is an entry in ClinVar:

ClinVar aggregate classification (germline): Likely pathogenic (1 of 4 stars; one submission).

Submission:

Labcorp Genetics (formerly Invitae), Labcorp
Classification: Likely pathogenic. Last evaluated: 2020-09-07. Review status: criteria provided, single submitter. Criteria: Invitae Variant Classification Sherloc (09022015). Collection method: clinical testing. Allele origin: germline.
Comment: This variant has not been reported in the literature in individuals with COL7A1-related conditions. This variant is not present in population databases (ExAC no frequency). This sequence change affects a donor splice site in intron 91 of the COL7A1 gene. It is expected to disrupt RNA splicing and likely results in an absent or disrupted protein product. Algorithms developed to predict the effect of sequence changes on RNA splicing suggest that this variant may disrupt the consensus splice site, but this prediction has not been confirmed by published transcriptional studies. In summary, the currently available evidence indicates that the variant is pathogenic, but additional data are needed to prove that conclusively. Therefore, this variant has been classified as Likely Pathogenic. Donor and acceptor splice site variants typically lead to a loss of protein function (PMID: 16199547), and loss-of-function variants in COL7A1 are known to be pathogenic (PMID: 16971478).

Literature cited by the submitters: PubMed 16199547; PubMed 16971478.

NM_000094.4(COL7A1):c.7068+2T>C

Gene: COL7A1 (collagen type VII alpha 1 chain; minus strand). Cytogenetic location: 3p21.31.
Variant type: single nucleotide variant.
Coding change: c.7068+2T>C on transcript NM_000094.4 (MANE Select); the canonical splice donor site of the intron after coding-DNA position 7068, T replaced by C.
Molecular consequence: splice donor variant.
Genome position (GRCh38, 1-based): chr3:48,571,999, A>G on the plus strand (T>C on the coding strand, the complement: COL7A1 is on the minus strand). VCF-style: chr3-48571999-A-G. GRCh37 (hg19) VCF-style: chr3-48609432-A-G.
Identifiers: ClinVar variation 1066517 (VCV001066517.5), dbSNP rs2107654130, ClinGen allele CA352652052.
Genomic context (GRCh38, chr3:48,571,999, plus strand): 5'-CCCTTATGCCCGCCATCACACTCCTCAGGCCAGGCTCGCCCTTGCCTAGGCCCCGGACTC[A>G]CATCTTCCCCAGGGTCTCCGGGCTCCCCTGCACGGCCAGCTTCACCCTGCACAGAATGGC-3'